The following is an entry in ClinVar:

NM_001377229.1(DISP1):c.2165T>A (p.Leu722Gln)

Gene: DISP1 (dispatched RND transporter family member 1; plus strand). Cytogenetic location: 1q41.
Variant type: single nucleotide variant.
Coding change: c.2165T>A on transcript NM_001377229.1 (MANE Select); coding-DNA position 2165, T replaced by A.
Protein change: p.Leu722Gln; replaces leucine 722 with glutamine.
Molecular consequence: missense variant.
Genome position (GRCh38, 1-based): chr1:223,003,562, T>A. VCF-style: chr1-223003562-T-A. GRCh37 (hg19) VCF-style: chr1-223176904-T-A.
Other names: c.1436T>A, p.Leu479Gln (NM_001350630.2); c.2165T>A, p.Leu722Gln (NM_001369594.1, NM_001377228.1, NM_032890.5); short protein forms L479Q, L722Q.
Identifiers: ClinVar variation 4279865 (VCV004279865.1).

ClinVar aggregate classification (germline): Uncertain significance (1 of 4 stars; one submission).

Conditions:
Holoprosencephaly 10. Identifiers: MedGen C2675857, MONDO:0976262, OMIM 621143.

Submission:

Clinical Genomics Laboratory, Washington University in St. Louis
Classification: Uncertain significance for Holoprosencephaly 10. Last evaluated: 2025-07-22. Review status: criteria provided, single submitter. Criteria: ACMG Guidelines, 2015. Collection method: clinical testing. Allele origin: germline.
Comment: The DISP1 c.2165T>A (p.Leu722Gln) variant, to our knowledge, has not been reported in the medical literature. This variant is absent from the general population (gnomAD v2.1.1), indicating it is not a common variant. Computational predictors indicate that the variant is damaging, evidence that correlates with impact to DISP1 function. Due to limited information, and based on ACMG/AMP guidelines for variant interpretation (Richards S et al., PMID: 25741868), the clinical significance of this variant is uncertain at this time.